The following is an entry in ClinVar:

NM_000488.4(SERPINC1):c.280_283del (p.Phe94fs)

Gene: SERPINC1 (serpin family C member 1; minus strand). Cytogenetic location: 1q25.1.
Variant type: Deletion.
Coding change: c.280_283del on transcript NM_000488.4 (MANE Select); coding-DNA positions 280 to 283, 4 bases deleted (TTCT; older notation c.280_283delTTCT).
Protein change: p.Phe94fs; shifts the reading frame from phenylalanine 94.
Molecular consequence: frameshift variant.
Genome position (GRCh38, 1-based): chr1:173,914,678-173,914,681, AGAA deleted on the plus strand (TTCT on the coding strand, the reverse complement: SERPINC1 is on the minus strand); deleting any 4 consecutive bases within chr1:173,914,678-173,914,683 gives the same sequence; the c. name uses the placement nearest the transcript's 3' end. VCF-style (leftmost placement, unchanged base first): chr1-173914677-TAGAA-T. GRCh37 (hg19) VCF-style: chr1-173883815-TAGAA-T.
Other names: NM_001386306.1:c.280_283del; c.136_139del, p.Phe46fs (NM_001365052.2); c.280_283del, p.Phe94fs (NM_001386302.1, NM_001386304.1, NM_001386305.1 and 1 more transcripts); c.361_364del, p.Phe121fs (NM_001386303.1); short protein forms F121fs, F46fs, F94fs.
Identifiers: ClinVar variation 2581080 (VCV002581080.2), dbSNP rs2526594781, ClinGen allele CA1670972946.

ClinVar aggregate classification (germline): Pathogenic (3 of 4 stars; one submission).

Conditions:
Hereditary antithrombin deficiency (AT3D). Also called: Reduced antithrombin III activity; Antithrombin deficiency; Antithrombin III deficiency; Thrombophilia due to antithrombin III deficiency. Identifiers: Orphanet 82, MedGen C0272375, MONDO:0013144, OMIM 613118, HP:0001976.

Submission:

Clingen Thrombosis Variant Curation Expert Panel, ClinGen
Classification: Pathogenic for Hereditary antithrombin deficiency. Last evaluated: 2023-09-21. Review status: reviewed by expert panel. Criteria: ClinGen ACMG Specifications SERPINC1 V1.0.0. Collection method: curation. Allele origin: germline. Inheritance: Autosomal dominant inheritance.
Comment: The c.280_283del (p.Phe94IlefsTer19) variant is a frameshift variant that is predicted to introduce a premature stop codon in exon 2/7 and expected to result in nonsense-mediated mRNA decay (PVS1). The variant is absent from gnomADv2.1.1 and v3.1.1 (PM2_Supporting). One proband reported in PMID: 22116592 meets SERPINC1 phenotype criteria with AT activity = 50% and AT antigen = 46% on repeat testing (PS4_Supporting). The variant in this proband is de novo with paternity and maternity confirmed (PS2). In summary, this variant meets criteria to be classified as pathogenic. ACMG/AMP criteria applied, as specified by the Thrombosis Variant Curation Expert Panel for SERPINC1: PVS1, PS2, PM2_Supporting, PS4_Supporting.